The following is an entry in ClinVar:

ClinVar aggregate classification (germline): Uncertain significance (1 of 4 stars; one submission).

gnomAD v4.1: 6 of 1,552,710 alleles (0.00039%); highest among the groups gnomAD compares: Non-Finnish European, 0.00052%; no homozygotes.

Submission:

Labcorp Genetics (formerly Invitae), Labcorp
Classification: Uncertain significance. Last evaluated: 2024-03-20. Review status: criteria provided, single submitter. Criteria: Invitae Variant Classification Sherloc (09022015). Collection method: clinical testing. Allele origin: germline.
Comment: This sequence change replaces valine, which is neutral and non-polar, with leucine, which is neutral and non-polar, at codon 2385 of the SPEG protein (p.Val2385Leu). This variant is not present in population databases (gnomAD no frequency). This variant has not been reported in the literature in individuals affected with SPEG-related conditions. An algorithm developed to predict the effect of missense changes on protein structure and function (PolyPhen-2) suggests that this variant is likely to be disruptive. In summary, the available evidence is currently insufficient to determine the role of this variant in disease. Therefore, it has been classified as a Variant of Uncertain Significance.

NM_005876.5(SPEG):c.7153G>C (p.Val2385Leu)

Genes: ASIC4-AS1 (ASIC4 antisense RNA 1; minus strand), SPEG (striated muscle enriched protein kinase; plus strand). Cytogenetic location: 2q35.
Variant type: single nucleotide variant.
Coding change: c.7153G>C on transcript NM_005876.5 (MANE Select); coding-DNA position 7153, G replaced by C.
Protein change: p.Val2385Leu; replaces valine 2385 with leucine.
Molecular consequence: missense variant.
Genome position (GRCh38, 1-based): chr2:219,484,616, G>C. VCF-style: chr2-219484616-G-C. GRCh37 (hg19) VCF-style: chr2-220349338-G-C.
Other names: short protein forms V2385L.
Identifiers: ClinVar variation 3606570 (VCV003606570.2).